The following is an entry in ClinVar:

NM_006424.3(SLC34A2):c.1961G>A (p.Gly654Glu)

Gene: SLC34A2 (solute carrier family 34 member 2; plus strand). Cytogenetic location: 4p15.2.
Variant type: single nucleotide variant.
Coding change: c.1961G>A on transcript NM_006424.3 (MANE Select); coding-DNA position 1961, G replaced by A.
Protein change: p.Gly654Glu; replaces glycine 654 with glutamic acid.
Molecular consequence: missense variant.
Genome position (GRCh38, 1-based): chr4:25,676,637, G>A. VCF-style: chr4-25676637-G-A. GRCh37 (hg19) VCF-style: chr4-25678259-G-A.
Other names: c.1958G>A, p.Gly653Glu (NM_001177998.2, NM_001177999.2); short protein forms G653E, G654E.
Identifiers: ClinVar variation 2020755 (VCV002020755.4), dbSNP rs2474782077, ClinGen allele CA356573040.

ClinVar aggregate classification (germline): Uncertain significance (1 of 4 stars; one submission).

Submission:

Labcorp Genetics (formerly Invitae), Labcorp
Classification: Uncertain significance. Last evaluated: 2022-07-30. Review status: criteria provided, single submitter. Criteria: Invitae Variant Classification Sherloc (09022015). Collection method: clinical testing. Allele origin: germline.
Comment: In summary, the available evidence is currently insufficient to determine the role of this variant in disease. Therefore, it has been classified as a Variant of Uncertain Significance. Algorithms developed to predict the effect of missense changes on protein structure and function output the following: SIFT: "Tolerated"; PolyPhen-2: "Benign"; Align-GVGD: "Class C0". The glutamic acid amino acid residue is found in multiple mammalian species, which suggests that this missense change does not adversely affect protein function. This variant has not been reported in the literature in individuals affected with SLC34A2-related conditions. This variant is not present in population databases (gnomAD no frequency). This sequence change replaces glycine, which is neutral and non-polar, with glutamic acid, which is acidic and polar, at codon 654 of the SLC34A2 protein (p.Gly654Glu).